The following is an entry in ClinVar:

ClinVar aggregate classification (germline): Uncertain significance. Review status: criteria provided, multiple submitters, no conflicts (2 of 4 stars). 4 submissions from 4 submitters: Uncertain significance (3). 1 of the submissions does not count toward it. Last evaluated 2026-01-05.

Conditions:
Alstrom syndrome (ALMS). Identifiers: Orphanet 64, MedGen C0268425, MONDO:0008763, OMIM 203800.
Cardiovascular phenotype. Identifiers: MedGen CN230736.

Allele frequency attached by ClinVar (database versions not stated): gnomAD exomes below 0.00001; gnomAD 0.00001; 1000 Genomes Project 30x 0.00016; 1000 Genomes Project 0.00020.
gnomAD v4.1: 6 of 1,614,008 alleles (0.00037%); highest among the groups gnomAD compares: East Asian, 0.0045%; no homozygotes.

Submissions (4):

Labcorp Genetics (formerly Invitae), Labcorp
Classification: Uncertain significance for Alstrom syndrome. Last evaluated: 2026-01-05. Review status: criteria provided, single submitter. Criteria: Invitae Variant Classification Sherloc (09022015). Collection method: clinical testing. Allele origin: germline.
Comment: This sequence change replaces tyrosine, which is neutral and polar, with cysteine, which is neutral and slightly polar, at codon 1862 of the ALMS1 protein (p.Tyr1862Cys). This variant is present in population databases (rs556743491, gnomAD 0.0009%). This variant has not been reported in the literature in individuals affected with ALMS1-related conditions. ClinVar contains an entry for this variant (Variation ID: 1055278). Experimental studies and prediction algorithms are not available or were not evaluated, and the functional significance of this variant is currently unknown. In summary, the available evidence is currently insufficient to determine the role of this variant in disease. Therefore, it has been classified as a Variant of Uncertain Significance.

Ambry Genetics
Classification: Uncertain significance for Cardiovascular phenotype. Last evaluated: 2025-09-05. Review status: criteria provided, single submitter. Criteria: Ambry Variant Classification Scheme 2023. Collection method: clinical testing. Allele origin: germline.
Comment: The p.Y1862C variant (also known as c.5585A>G), located in coding exon 8 of the ALMS1 gene, results from an A to G substitution at nucleotide position 5585. The tyrosine at codon 1862 is replaced by cysteine, an amino acid with highly dissimilar properties. This amino acid position is well conserved in available vertebrate species. In addition, the in silico prediction for this alteration is inconclusive. Based on the available evidence, the clinical significance of this variant remains unclear.

Blueprint Genetics
Classification: Uncertain significance. Last evaluated: 2023-10-09. Review status: criteria provided, single submitter. Criteria: ACMG Guidelines, 2015. Collection method: clinical testing. Allele origin: germline.

Natera, Inc.
Classification: Uncertain significance for Alstrom syndrome. Last evaluated: 2021-05-04. Review status: no assertion criteria provided. Collection method: clinical testing. Allele origin: germline. Not counted in ClinVar's aggregate classification.

NM_001378454.1(ALMS1):c.5582A>G (p.Tyr1861Cys)

Gene: ALMS1 (ALMS1 centrosome and basal body associated protein; plus strand). Cytogenetic location: 2p13.1.
Variant type: single nucleotide variant.
Coding change: c.5582A>G on transcript NM_001378454.1 (MANE Select); coding-DNA position 5582, A replaced by G.
Protein change: p.Tyr1861Cys; replaces tyrosine 1861 with cysteine.
Molecular consequence: missense variant.
Genome position (GRCh38, 1-based): chr2:73,452,109, A>G. VCF-style: chr2-73452109-A-G. GRCh37 (hg19) VCF-style: chr2-73679236-A-G.
Other names: c.5585A>G, p.Tyr1862Cys (NM_015120.4); short protein forms Y1861C, Y1862C.
Identifiers: ClinVar variation 1055278 (VCV001055278.14), dbSNP rs556743491, ClinGen allele CA50396840.